The following is an entry in ClinVar:

NM_001267550.2(TTN):c.13015G>A (p.Val4339Ile)

Gene: TTN (titin; minus strand). Cytogenetic location: 2q31.2.
Variant type: single nucleotide variant.
Coding change: c.13015G>A on transcript NM_001267550.2 (MANE Select); coding-DNA position 13015, G replaced by A.
Protein change: p.Val4339Ile; replaces valine 4339 with isoleucine.
Molecular consequence: missense variant. On other transcripts: intron variant (1).
Genome position (GRCh38, 1-based): chr2:178,740,218, C>T on the plus strand (G>A on the coding strand, the complement: TTN is on the minus strand). VCF-style: chr2-178740218-C-T. GRCh37 (hg19) VCF-style: chr2-179604945-C-T.
Other names: c.13015G>A (NM_001267550.1); c.12064G>A, p.Val4022Ile (NM_001256850.1); c.11926G>A, p.Val3976Ile (NM_003319.4); c.12301G>A, p.Val4101Ile (NM_133432.3); c.12502G>A, p.Val4168Ile (NM_133437.4); c.10361-1858G>A (NM_133378.4); short protein forms V4339I, V4022I, V3976I, V4101I, V4168I.
Identifiers: ClinVar variation 466809 (VCV000466809.5), dbSNP rs756186781, ClinGen allele CA60983961.
Genomic context (GRCh38, chr2:178,740,218, plus strand): 5'-ACTCAATGATTTGGTCTGGGGGCATCACCACGTTGTCAGAATGCTCTTCTTTGAGCAGTA[C>T]CTGCTTTTCTTCAAGTGCTAGTGGAAATCTTAAGGACTTGCCTTCCTCAATTCTGACCGC-3'
Protein context (NP_001254479.2, residues 4329-4349): RFPLALEEKQ[Val4339Ile]LLKEEHSDNV

ClinVar aggregate classification (germline): Uncertain significance. Review status: criteria provided, multiple submitters, no conflicts (2 of 4 stars). 3 submissions from 3 submitters: Uncertain significance (3). Last evaluated 2024-03-13.

Conditions:
Autosomal recessive limb-girdle muscular dystrophy type 2J (LGMDR10). Also called: Limb-girdle muscular dystrophy, type 2J; MUSCULAR DYSTROPHY, LIMB-GIRDLE, AUTOSOMAL RECESSIVE 10. Identifiers: Orphanet 140922, MedGen C1837342, MONDO:0012127, OMIM 608807.
Dilated cardiomyopathy 1G (CMD1G). Identifiers: Orphanet 154, MedGen C1858763, MONDO:0011400, OMIM 604145.
Myopathy, myofibrillar, 9, with early respiratory failure (MFM9). Also called: EDSTROM MYOPATHY; MYOPATHY, PROXIMAL, WITH EARLY RESPIRATORY MUSCLE INVOLVEMENT; Hereditary myopathy with early respiratory failure; Myopathy, distal, with early respiratory failure, autosomal dominant. Identifiers: Orphanet 178464, Orphanet 34521, MedGen C1863599, MONDO:0011362, OMIM 603689.
Hypertrophic cardiomyopathy 9. Also called: Familial hypertrophic cardiomyopathy 9. Identifiers: MedGen C1861065, MONDO:0013412, OMIM 613765.
Early-onset myopathy with fatal cardiomyopathy (CMYO5). Also called: Salih Myopathy; CONGENITAL MYOPATHY 5 WITH CARDIOMYOPATHY. Identifiers: Orphanet 289377, MedGen C2673677, MONDO:0012714, OMIM 611705. Disease mechanism: loss of function.
Tibial muscular dystrophy (TMD). Also called: UDD MYOPATHY; Tibial muscular dystrophy, tardive; Udd Distal Myopathy – Tibial Muscular Dystrophy. Identifiers: Orphanet 609, MedGen C1838244, MONDO:0010870, OMIM 600334.

Allele frequency attached by ClinVar (database versions not stated): gnomAD exomes 0.00001; TOPMed 0.00002; gnomAD 0.00003.
gnomAD v4.1: 18 of 1,613,574 alleles (0.0011%); highest among the groups gnomAD compares: African/African-American, 0.004%; no homozygotes.

Submissions (3):

GeneDx
Classification: Uncertain significance. Last evaluated: 2024-03-13. Review status: criteria provided, single submitter. Criteria: GeneDx Variant Classification Process June 2021. Collection method: clinical testing. Allele origin: germline. Affected: yes.
Comment: Not observed at significant frequency in large population cohorts (gnomAD); Missense variant in a gene in which most reported pathogenic variants are truncating/loss of function; Has not been previously published as pathogenic or benign to our knowledge

Fulgent Genetics
Classification: Uncertain significance for Tibial muscular dystrophy; Myopathy, myofibrillar, 9, with early respiratory failure; Dilated cardiomyopathy 1G; Autosomal recessive limb-girdle muscular dystrophy type 2J; Early-onset myopathy with fatal cardiomyopathy; Hypertrophic cardiomyopathy 9. Last evaluated: 2021-10-01. Review status: criteria provided, single submitter. Criteria: ACMG Guidelines, 2015. Collection method: clinical testing. Allele origin: unknown.

Labcorp Genetics (formerly Invitae), Labcorp
Classification: Uncertain significance for Dilated cardiomyopathy 1G; Autosomal recessive limb-girdle muscular dystrophy type 2J. Last evaluated: 2017-04-06. Review status: criteria provided, single submitter. Criteria: Invitae Variant Classification Sherloc (09022015). Collection method: clinical testing. Allele origin: germline.